The following is an entry in ClinVar:

ClinVar aggregate classification (germline): Uncertain significance (1 of 4 stars; one submission).

Allele frequency attached by ClinVar (database versions not stated): gnomAD exomes below 0.00001; TOPMed 0.00003.

Submission:

Labcorp Genetics (formerly Invitae), Labcorp
Classification: Uncertain significance. Last evaluated: 2021-06-28. Review status: criteria provided, single submitter. Criteria: Invitae Variant Classification Sherloc (09022015). Collection method: clinical testing. Allele origin: germline.
Comment: In summary, the available evidence is currently insufficient to determine the role of this variant in disease. Therefore, it has been classified as a Variant of Uncertain Significance. Algorithms developed to predict the effect of missense changes on protein structure and function are either unavailable or do not agree on the potential impact of this missense change (SIFT: "Not Available"; PolyPhen-2: "Benign"; Align-GVGD: "Not Available"). This variant has not been reported in the literature in individuals with UNC45A-related conditions. This variant is not present in population databases (ExAC no frequency). This sequence change replaces alanine with serine at codon 386 of the UNC45A protein (p.Ala386Ser). The alanine residue is moderately conserved and there is a moderate physicochemical difference between alanine and serine.

NM_018671.5(UNC45A):c.1156G>T (p.Ala386Ser)

Gene: UNC45A (unc-45 myosin chaperone A; plus strand). Cytogenetic location: 15q26.1.
Variant type: single nucleotide variant.
Coding change: c.1156G>T on transcript NM_018671.5 (MANE Select); coding-DNA position 1156, G replaced by T.
Protein change: p.Ala386Ser; replaces alanine 386 with serine.
Molecular consequence: missense variant.
Genome position (GRCh38, 1-based): chr15:90,945,020, G>T. VCF-style: chr15-90945020-G-T. GRCh37 (hg19) VCF-style: chr15-91488250-G-T.
Other names: c.1111G>T, p.Ala371Ser (NM_001039675.2, NM_001323621.2); c.1156G>T, p.Ala386Ser (NM_001323619.1); c.721G>T, p.Ala241Ser (NM_001323620.2); short protein forms A371S, A386S, A241S.
Identifiers: ClinVar variation 1516328 (VCV001516328.6), dbSNP rs1357997081, ClinGen allele CA393855241.